The following is an entry in ClinVar:

NM_001378609.3(OTOGL):c.3769A>G (p.Ile1257Val)

Gene: OTOGL (otogelin like; plus strand). Cytogenetic location: 12q21.31.
Variant type: single nucleotide variant.
Coding change: c.3769A>G on transcript NM_001378609.3 (MANE Select); coding-DNA position 3769, A replaced by G.
Protein change: p.Ile1257Val; replaces isoleucine 1257 with valine.
Molecular consequence: missense variant.
Genome position (GRCh38, 1-based): chr12:80,318,680, A>G. VCF-style: chr12-80318680-A-G. GRCh37 (hg19) VCF-style: chr12-80712460-A-G.
Other names: c.3742A>G (NM_173591.3); c.3634A>G, p.Ile1212Val (NM_001368062.3); c.3769A>G, p.Ile1257Val (NM_001378610.3, NM_173591.7); short protein forms I1212V, I1257V.
Identifiers: ClinVar variation 806913 (VCV000806913.43), dbSNP rs1294565925, ClinGen allele CA385867669.

ClinVar aggregate classification (germline): Uncertain significance. Review status: criteria provided, multiple submitters, no conflicts (2 of 4 stars). 2 submissions from 2 submitters: Uncertain significance (2). Last evaluated 2024-09-26.

Allele frequency attached by ClinVar (database versions not stated): gnomAD exomes below 0.00001.
gnomAD v4.1: 7 of 1,429,492 alleles (0.00049%); highest among the groups gnomAD compares: Non-Finnish European, 0.00055%; no homozygotes.

Submissions (2):

GeneDx
Classification: Uncertain significance. Last evaluated: 2024-09-26. Review status: criteria provided, single submitter. Criteria: GeneDx Variant Classification Process June 2021. Collection method: clinical testing. Allele origin: germline. Affected: yes.
Comment: Not observed at significant frequency in large population cohorts (gnomAD); In silico analysis indicates that this missense variant does not alter protein structure/function; Has not been previously published as pathogenic or benign to our knowledge

CeGaT Center for Human Genetics Tuebingen
Classification: Uncertain significance. Last evaluated: 2016-06-01. Review status: criteria provided, single submitter. Criteria: CeGaT Center For Human Genetics Tuebingen Variant Classification Criteria Version 2. Collection method: clinical testing. Allele origin: germline. Affected: yes. Observed: 1 variant allele.